The following is an entry in ClinVar:

ClinVar aggregate classification (germline): Pathogenic (1 of 4 stars; one submission).

Conditions:
Anauxetic dysplasia. Identifiers: Orphanet 93347, MedGen C1846796, MONDO:0011773.

Submission:

Labcorp Genetics (formerly Invitae), Labcorp
Classification: Pathogenic for Anauxetic dysplasia. Last evaluated: 2024-02-18. Review status: criteria provided, single submitter. Criteria: Invitae Variant Classification Sherloc (09022015). Collection method: clinical testing. Allele origin: germline.
Comment: This variant occurs in the RMRP gene, which encodes an RNA molecule that does not result in a protein product. This variant is not present in population databases (gnomAD no frequency). While this particular variant has not been reported in the literature, it is located in the promoter region between the TATA box and the transcription initiation site, and other insertions and duplications immediately upstream of the coding sequence have been reported in individuals affected with cartilage-hair hypoplasia-anauxetic dysplasia (CHH-AD) spectrum disorders (PMID: 16244706, 11207361, 12107819). While functional studies for this variant have not been reported, experimental analyses using patient derived cells, as well as in vitro transfection studies, have shown that promoter insertions result in silencing of RMRP transcription and reduced expression of the gene product (PMID: 11207361, 16254002). For these reasons, this variant has been classified as Pathogenic.

Literature cited by the submitters: PubMed 16244706; PubMed 11207361; PubMed 12107819; PubMed 16254002.

NC_000009.12:g.35658022_35658023insTCTCAGCTTTACGT

Gene: RMRP (RNA component of mitochondrial RNA processing endoribonuclease; minus strand). Cytogenetic location: 9p13.3.
Variant type: Insertion.
Genome position: GRCh38 VCF-style: chr9-35658018-C-CACGTTCTCAGCTTT. GRCh37 (hg19) VCF-style: chr9-35658015-C-CACGTTCTCAGCTTT.
Identifiers: ClinVar variation 1446490 (VCV001446490.13), dbSNP rs1218494857, ClinGen allele CA863578605.
Genomic context (GRCh38, chr9:35,658,018, plus strand): 5'-GGAAAGGGGAGGAACAGAGTCCTCAGTGTGTAGCCTAGGATACAGGCCTTCAGCACGAAC[C>CACGTTCTCAGCTTT]ACGTCCTCAGCTTCACAGAGTAGTATTTTATAGCCCTAAAGAAATTGTGTTTTATGATTA-3'